The following is an entry in ClinVar:

NM_152564.5(VPS13B):c.2915C>T (p.Thr972Ile)

Gene: VPS13B (vacuolar protein sorting 13 homolog B; plus strand). Cytogenetic location: 8q22.2.
Variant type: single nucleotide variant.
Coding change: c.2915C>T on transcript NM_152564.5 (MANE Select); coding-DNA position 2915, C replaced by T.
Protein change: p.Thr972Ile; replaces threonine 972 with isoleucine.
Molecular consequence: missense variant.
Genome position (GRCh38, 1-based): chr8:99,384,298, C>T. VCF-style: chr8-99384298-C-T. GRCh37 (hg19) VCF-style: chr8-100396526-C-T.
Other names: c.2915C>T, p.Thr972Ile (NM_017890.5); short protein forms T972I.
Identifiers: ClinVar variation 2062550 (VCV002062550.1), dbSNP rs1299204511, ClinGen allele CA371864918.

ClinVar aggregate classification (germline): Uncertain significance (1 of 4 stars; one submission).

Conditions:
Cohen syndrome (COH1). Also called: Cutis verticis gyrata, retinitis pigmentosa, and sensorineural deafness; PEPPER SYNDROME. Identifiers: Orphanet 193, MedGen C0265223, MONDO:0008999, OMIM 216550.

Allele frequency attached by ClinVar (database versions not stated): gnomAD exomes below 0.00001; TOPMed below 0.00001; gnomAD 0.00001.
gnomAD v4.1: 4 of 1,613,464 alleles (0.00025%); highest among the groups gnomAD compares: East Asian, 0.0022%; no homozygotes.

Submission:

Labcorp Genetics (formerly Invitae), Labcorp
Classification: Uncertain significance for Cohen syndrome. Last evaluated: 2022-05-08. Review status: criteria provided, single submitter. Criteria: Invitae Variant Classification Sherloc (09022015). Collection method: clinical testing. Allele origin: germline.
Comment: This sequence change replaces threonine, which is neutral and polar, with isoleucine, which is neutral and non-polar, at codon 972 of the VPS13B protein (p.Thr972Ile). This variant is not present in population databases (gnomAD no frequency). This variant has not been reported in the literature in individuals affected with VPS13B-related conditions. Algorithms developed to predict the effect of missense changes on protein structure and function are either unavailable or do not agree on the potential impact of this missense change (SIFT: "Not Available"; PolyPhen-2: "Benign"; Align-GVGD: "Not Available"). In summary, the available evidence is currently insufficient to determine the role of this variant in disease. Therefore, it has been classified as a Variant of Uncertain Significance.